The following is an entry in ClinVar:

ClinVar aggregate classification (germline): Uncertain significance (1 of 4 stars; one submission).

Submission:

Labcorp Genetics (formerly Invitae), Labcorp
Classification: Uncertain significance. Last evaluated: 2023-04-25. Review status: criteria provided, single submitter. Criteria: Invitae Variant Classification Sherloc (09022015). Collection method: clinical testing. Allele origin: germline.
Comment: In summary, the available evidence is currently insufficient to determine the role of this variant in disease. Therefore, it has been classified as a Variant of Uncertain Significance. Experimental studies and prediction algorithms are not available or were not evaluated, and the functional significance of this variant is currently unknown. This variant has not been reported in the literature in individuals affected with MYLK3-related conditions. This variant is not present in population databases (gnomAD no frequency). This sequence change disrupts the translational stop signal of the MYLK3 mRNA. It is expected to extend the length of the MYLK3 protein by 19 additional amino acid residues.

NM_182493.3(MYLK3):c.2460A>C (p.Ter820Tyr)

Gene: MYLK3 (myosin light chain kinase 3; minus strand). Cytogenetic location: 16q11.2.
Variant type: single nucleotide variant.
Coding change: c.2460A>C on transcript NM_182493.3 (MANE Select); coding-DNA position 2460, A replaced by C.
Protein change: p.Ter820Tyr.
Molecular consequence: stop lost.
Genome position (GRCh38, 1-based): chr16:46,707,704, T>G on the plus strand (A>C on the coding strand, the complement: MYLK3 is on the minus strand). VCF-style: chr16-46707704-T-G. GRCh37 (hg19) VCF-style: chr16-46741616-T-G.
Other names: c.1437A>C, p.Ter479Tyr (NM_001308301.1).
Identifiers: ClinVar variation 2858993 (VCV002858993.3), dbSNP rs2548897054, ClinGen allele CA395785103.